The following is an entry in ClinVar:

ClinVar aggregate classification (germline): Conflicting classifications of pathogenicity. Review status: criteria provided, conflicting classifications (1 of 4 stars). 2 submissions from 2 submitters: Uncertain significance (1); Likely benign (1). Last evaluated 2026-01-11.

Conditions:
Cornelia de Lange syndrome 4 (CDLS4). Also called: RAD21-Related Cornelia de Lange Syndrome; CORNELIA DE LANGE SYNDROME 4 WITH OR WITHOUT MIDLINE BRAIN DEFECTS. Identifiers: Orphanet 199, MedGen C3553517, MONDO:0013864, OMIM 614701.

gnomAD v4.1: 224 of 1,590,874 alleles (0.014%); highest among the groups gnomAD compares: Non-Finnish European, 0.018%; 1 homozygote.

Submissions (2):

Labcorp Genetics (formerly Invitae), Labcorp
Classification: Uncertain significance for Cornelia de Lange syndrome 4. Last evaluated: 2026-01-11. Review status: criteria provided, single submitter. Criteria: Invitae Variant Classification Sherloc (09022015). Collection method: clinical testing. Allele origin: germline.
Comment: This sequence change replaces alanine, which is neutral and non-polar, with valine, which is neutral and non-polar, at codon 544 of the RAD21 protein (p.Ala544Val). This variant is present in population databases (rs143363239, gnomAD 0.01%). This variant has not been reported in the literature in individuals affected with RAD21-related conditions. ClinVar contains an entry for this variant (Variation ID: 3667141). Invitae Evidence Modeling of protein sequence and biophysical properties (such as structural, functional, and spatial information, amino acid conservation, physicochemical variation, residue mobility, and thermodynamic stability) indicates that this missense variant is not expected to disrupt RAD21 protein function with a negative predictive value of 95%. In summary, the available evidence is currently insufficient to determine the role of this variant in disease. Therefore, it has been classified as a Variant of Uncertain Significance.

CeGaT Center for Human Genetics Tuebingen
Classification: Likely benign. Last evaluated: 2025-09-01. Review status: criteria provided, single submitter. Criteria: CeGaT Center For Human Genetics Tuebingen Variant Classification Criteria Version 2. Collection method: clinical testing. Allele origin: germline. Affected: yes. Observed: 1 variant allele.
Comment: RAD21: BP4, BS2

NM_006265.3(RAD21):c.1631C>T (p.Ala544Val)

Gene: RAD21 (RAD21 cohesin complex component; minus strand). Cytogenetic location: 8q24.11.
Variant type: single nucleotide variant.
Coding change: c.1631C>T on transcript NM_006265.3 (MANE Select); coding-DNA position 1631, C replaced by T.
Protein change: p.Ala544Val; replaces alanine 544 with valine.
Molecular consequence: missense variant.
Genome position (GRCh38, 1-based): chr8:116,849,019, G>A on the plus strand (C>T on the coding strand, the complement: RAD21 is on the minus strand). VCF-style: chr8-116849019-G-A. GRCh37 (hg19) VCF-style: chr8-117861258-G-A.
Other names: short protein forms A544V.
Identifiers: ClinVar variation 3667141 (VCV003667141.9).